The following is an entry in ClinVar:

ClinVar aggregate classification (germline): Benign/Likely benign. Review status: criteria provided, multiple submitters, no conflicts (2 of 4 stars). 3 submissions from 3 submitters: Benign (1); Likely benign (2). Last evaluated 2025-08-29.

Conditions:
Developmental and epileptic encephalopathy, 14 (DEE14). Also called: Early infantile epileptic encephalopathy 14. Identifiers: Orphanet 293181, MedGen C3554195, MONDO:0013989, OMIM 614959.
Autosomal dominant nocturnal frontal lobe epilepsy 5. Also called: CILIARY DYSKINESIA, PRIMARY, 28, WITHOUT SITUS INVERSUS; CILIARY DYSKINESIA, PRIMARY, 28, WITH SITUS INVERSUS; Epilepsy, nocturnal frontal lobe, 5; KCNT1-Related Epilepsy. Identifiers: Orphanet 98784, MedGen C3554306, MONDO:0014002, OMIM 615005.

Allele frequency attached by ClinVar (database versions not stated): gnomAD 0.00007; ExAC 0.00014.
gnomAD v4.1: 87 of 1,581,598 alleles (0.0055%); highest among the groups gnomAD compares: Non-Finnish European, 0.0006%; no homozygotes.

Submissions (3):

Labcorp Genetics (formerly Invitae), Labcorp
Classification: Benign for Autosomal dominant nocturnal frontal lobe epilepsy 5; Developmental and epileptic encephalopathy, 14. Last evaluated: 2025-08-29. Review status: criteria provided, single submitter. Criteria: Invitae Variant Classification Sherloc (09022015). Collection method: clinical testing. Allele origin: germline.

Blueprint Genetics
Classification: Likely benign. Last evaluated: 2024-06-21. Review status: criteria provided, single submitter. Criteria: ACMG Guidelines, 2015. Collection method: clinical testing. Allele origin: germline.

CeGaT Center for Human Genetics Tuebingen
Classification: Likely benign. Last evaluated: 2022-07-01. Review status: criteria provided, single submitter. Criteria: CeGaT Center For Human Genetics Tuebingen Variant Classification Criteria Version 2. Collection method: clinical testing. Allele origin: germline. Affected: yes. Observed: 1 variant allele.
Comment: KCNT1: BP4, BP7

NM_020822.3(KCNT1):c.1311C>T (p.Leu437=)

Gene: KCNT1 (potassium sodium-activated channel subfamily T member 1; plus strand). Cytogenetic location: 9q34.3.
Variant type: single nucleotide variant.
Coding change: c.1311C>T on transcript NM_020822.3 (MANE Select); coding-DNA position 1311, C replaced by T.
Protein change: p.Leu437=; no amino-acid change (leucine 437 retained).
Molecular consequence: synonymous variant.
Genome position (GRCh38, 1-based): chr9:135,765,734, C>T. VCF-style: chr9-135765734-C-T. GRCh37 (hg19) VCF-style: chr9-138657580-C-T.
Other names: c.1176C>T, p.Leu392= (NM_001272003.2).
Identifiers: ClinVar variation 1711698 (VCV001711698.33), dbSNP rs770741523, ClinGen allele CA5326841.